The following is an entry in ClinVar:

ClinVar aggregate classification (germline): Uncertain significance (1 of 4 stars; one submission).

Conditions:
Cardiovascular phenotype. Identifiers: MedGen CN230736.

Allele frequency attached by ClinVar (database versions not stated): TOPMed 0.00002.
gnomAD v4.1: 12 of 1,612,896 alleles (0.00074%); highest among the groups gnomAD compares: Admixed American, 0.0017%; no homozygotes.

Submission:

Ambry Genetics
Classification: Uncertain significance for Cardiovascular phenotype. Last evaluated: 2025-02-20. Review status: criteria provided, single submitter. Criteria: Ambry Variant Classification Scheme 2023. Collection method: clinical testing. Allele origin: germline.
Comment: The p.H2914Q variant (also known as c.8742C>A), located in coding exon 24 of the TNXB gene, results from a C to A substitution at nucleotide position 8742. The histidine at codon 2914 is replaced by glutamine, an amino acid with highly similar properties. This amino acid position is conserved. In addition, this alteration is predicted to be tolerated by in silico analysis. Since supporting evidence is limited at this time, the clinical significance of this alteration remains unclear.

NM_001365276.2(TNXB):c.8748C>A (p.His2916Gln)

Gene: TNXB (tenascin XB; minus strand). Cytogenetic location: 6p21.33.
Variant type: single nucleotide variant.
Coding change: c.8748C>A on transcript NM_001365276.2 (MANE Select); coding-DNA position 8748, C replaced by A.
Protein change: p.His2916Gln; replaces histidine 2916 with glutamine.
Molecular consequence: missense variant.
Genome position (GRCh38, 1-based): chr6:32,053,431, G>T on the plus strand (C>A on the coding strand, the complement: TNXB is on the minus strand). VCF-style: chr6-32053431-G-T. GRCh37 (hg19) VCF-style: chr6-32021208-G-T.
Other names: c.8742C>A, p.His2914Gln (NM_019105.8); short protein forms H2914Q, H2916Q.
Identifiers: ClinVar variation 1764514 (VCV001764514.3), dbSNP rs775763208, ClinGen allele CA136903311.